The following is an entry in ClinVar:

NM_012210.4(TRIM32):c.341G>A (p.Ser114Asn)

Genes: ASTN2 (astrotactin 2; minus strand), TRIM32 (tripartite motif containing 32; plus strand). Cytogenetic location: 9q33.1.
Variant type: single nucleotide variant.
Coding change: c.341G>A on transcript NM_012210.4 (MANE Select); coding-DNA position 341, G replaced by A.
Protein change: p.Ser114Asn; replaces serine 114 with asparagine.
Molecular consequence: missense variant. On other transcripts: intron variant (3).
Genome position (GRCh38, 1-based): chr9:116,698,083, G>A. VCF-style: chr9-116698083-G-A. GRCh37 (hg19) VCF-style: chr9-119460362-G-A.
Other names: c.341G>A, p.Ser114Asn (NM_001099679.2, NM_001379048.1, NM_001379049.1 and 1 more transcripts); c.2653+27688C>T (NM_014010.5); c.2794+27688C>T (NM_001365069.1); c.2806+27688C>T (NM_001365068.1); short protein forms S114N.
Identifiers: ClinVar variation 1339315 (VCV001339315.9), dbSNP rs192516080, ClinGen allele CA5210951.
Genomic context (GRCh38, chr9:116,698,083, plus strand): 5'-CTGTGGGGCTGCTCATGTGTCGGTCCTGTGGGCGGCGTCTGCCCCGGCAATTCTGCCGGA[G>A]CTGTGGTTTGGTGTTATGTGAGCCCTGCCGGGAGGCAGACCATCAGCCTCCTGGCCACTG-3'
Protein context (NP_036342.2, residues 104-124): GRRLPRQFCR[Ser114Asn]CGLVLCEPCR

ClinVar aggregate classification (germline): Uncertain significance. Review status: criteria provided, multiple submitters, no conflicts (2 of 4 stars). 3 submissions from 3 submitters: Uncertain significance (2). 1 of the submissions does not count toward it. Last evaluated 2022-07-12.

Conditions:
Bardet-Biedl syndrome (BBS). Identifiers: Orphanet 110, MedGen C0752166, MONDO:0015229.
Bardet-Biedl syndrome 11 (BBS11). Identifiers: Orphanet 110, MedGen C1859569, MONDO:0014439, OMIM 615988.
TRIM32-related disorder. Also called: TRIM32-related condition.

Allele frequency attached by ClinVar (database versions not stated): gnomAD exomes below 0.00001; gnomAD 0.00001; ExAC 0.00002; 1000 Genomes Project 30x 0.00016; 1000 Genomes Project 0.00020.
gnomAD v4.1: 4 of 1,614,148 alleles (0.00025%); highest among the groups gnomAD compares: South Asian, 0.0011%; no homozygotes.

Submissions (3):

Labcorp Genetics (formerly Invitae), Labcorp
Classification: Uncertain significance for Bardet-Biedl syndrome. Last evaluated: 2022-07-12. Review status: criteria provided, single submitter. Criteria: Invitae Variant Classification Sherloc (09022015). Collection method: clinical testing. Allele origin: germline.
Comment: ClinVar contains an entry for this variant (Variation ID: 1339315). This variant has not been reported in the literature in individuals affected with TRIM32-related conditions. This variant is present in population databases (rs192516080, gnomAD 0.0009%). This sequence change replaces serine, which is neutral and polar, with asparagine, which is neutral and polar, at codon 114 of the TRIM32 protein (p.Ser114Asn). Algorithms developed to predict the effect of missense changes on protein structure and function (SIFT, PolyPhen-2, Align-GVGD) all suggest that this variant is likely to be tolerated. In summary, the available evidence is currently insufficient to determine the role of this variant in disease. Therefore, it has been classified as a Variant of Uncertain Significance.

Molecular Endocrinology Laboratory, Christian Medical College
Classification: Uncertain significance for Bardet-Biedl syndrome 11. Review status: criteria provided, single submitter. Criteria: ACMG Guidelines, 2015. Collection method: clinical testing. Allele origin: germline. Affected: yes.

PreventionGenetics, part of Exact Sciences
Classification: Uncertain significance for TRIM32-related condition. Last evaluated: 2023-11-14. Review status: no assertion criteria provided. Collection method: clinical testing. Allele origin: germline. Not counted in ClinVar's aggregate classification.
Comment: The TRIM32 c.341G>A variant is predicted to result in the amino acid substitution p.Ser114Asn. To our knowledge, this variant has not been reported in the literature. This variant is reported in 0.00088% of alleles in individuals of European (Non-Finnish) descent in gnomAD. At this time, the clinical significance of this variant is uncertain due to the absence of conclusive functional and genetic evidence.